The following is an entry in ClinVar:

ClinVar aggregate classification (germline): Benign/Likely benign. Review status: criteria provided, multiple submitters, no conflicts (2 of 4 stars). 4 submissions from 4 submitters: Benign (1); Likely benign (3). Last evaluated 2025-08-17.

Conditions:
POLD1-related polyposis and colorectal cancer syndrome (CRCS10). Also called: Colorectal cancer 10; COLORECTAL CANCER, SUSCEPTIBILITY TO, ON CHROMOSOME 19q; Colorectal cancer, susceptibility to, 10. Identifiers: Orphanet 220460, MedGen C2675481, MONDO:0012953, OMIM 612591.
Hereditary cancer-predisposing syndrome. Also called: Tumor predisposition; Hereditary Cancer Syndrome; Hereditary neoplastic syndrome; Neoplastic Syndromes, Hereditary. Identifiers: Orphanet 140162, MedGen C0027672, MeSH D009386, MONDO:0015356.

Submissions (4):

Labcorp Genetics (formerly Invitae), Labcorp
Classification: Likely benign for POLD1-related polyposis and colorectal cancer syndrome. Last evaluated: 2025-08-17. Review status: criteria provided, single submitter. Criteria: Invitae Variant Classification Sherloc (09022015). Collection method: clinical testing. Allele origin: germline.

Myriad Genetics, Inc.
Classification: Benign for POLD1-related polyposis and colorectal cancer syndrome. Last evaluated: 2025-02-05. Review status: criteria provided, single submitter. Criteria: Myriad Autosomal Dominant, Autosomal Recessive and X-Linked Classification Criteria (2023). Collection method: clinical testing. Allele origin: unknown.
Comment: This variant is considered benign. This variant is a silent/synonymous amino acid change and it is not expected to impact splicing.

Ambry Genetics
Classification: Likely benign for Hereditary cancer-predisposing syndrome. Last evaluated: 2020-03-14. Review status: criteria provided, single submitter. Criteria: Ambry Variant Classification Scheme 2023. Collection method: clinical testing. Allele origin: germline.

GeneDx
Classification: Likely benign. Last evaluated: 2018-02-28. Review status: criteria provided, single submitter. Criteria: GeneDx Variant Classification (06012015). Collection method: clinical testing. Allele origin: germline. Affected: yes.
Comment: This variant is considered likely benign or benign based on one or more of the following criteria: it is a conservative change, it occurs at a poorly conserved position in the protein, it is predicted to be benign by multiple in silico algorithms, and/or has population frequency not consistent with disease.

NM_002691.4(POLD1):c.933C>A (p.Arg311=)

Gene: POLD1 (DNA polymerase delta 1, catalytic subunit; plus strand). Cytogenetic location: 19q13.33.
Variant type: single nucleotide variant.
Coding change: c.933C>A on transcript NM_002691.4 (MANE Select); coding-DNA position 933, C replaced by A.
Protein change: p.Arg311=; no amino-acid change (arginine 311 retained).
Molecular consequence: synonymous variant. On other transcripts: non-coding transcript variant (1).
Genome position (GRCh38, 1-based): chr19:50,402,704, C>A. VCF-style: chr19-50402704-C-A. GRCh37 (hg19) VCF-style: chr19-50905961-C-A.
Other names: c.933C>A, p.Arg311= (NM_001256849.1, NM_001308632.1).
Identifiers: ClinVar variation 515924 (VCV000515924.15), dbSNP rs749278926, ClinGen allele CA508182066.
Genomic context (GRCh38, chr19:50,402,704, plus strand): 5'-GTGGTCTGACGTGGTCAGTCACCCACCGGAAGGGCCATGGCAGCGCATTGCGCCCTTGCG[C>A]GTGCTCAGCTTCGATATCGAGTGCGCCGGCCGCAAAGGTCTGTCCCCGGGCCCGGGCTCC-3'
Protein context (NP_002682.2, residues 301-321): EGPWQRIAPL[Arg311=]VLSFDIECAG